The following is an entry in ClinVar:

ClinVar aggregate classification (germline): Uncertain significance (1 of 4 stars; one submission).

Allele frequency attached by ClinVar (database versions not stated): gnomAD exomes below 0.00001.
gnomAD v4.1: 4 of 1,512,964 alleles (0.00026%); highest among the groups gnomAD compares: South Asian, 0.0027%; no homozygotes.

Submission:

Labcorp Genetics (formerly Invitae), Labcorp
Classification: Uncertain significance. Last evaluated: 2021-08-23. Review status: criteria provided, single submitter. Criteria: Invitae Variant Classification Sherloc (09022015). Collection method: clinical testing. Allele origin: germline.
Comment: In summary, the available evidence is currently insufficient to determine the role of this variant in disease. Therefore, it has been classified as a Variant of Uncertain Significance. Algorithms developed to predict the effect of missense changes on protein structure and function (SIFT, PolyPhen-2, Align-GVGD) all suggest that this variant is likely to be tolerated. This variant has not been reported in the literature in individuals affected with SCLT1-related conditions. This variant is not present in population databases (ExAC no frequency). This sequence change replaces histidine with arginine at codon 197 of the SCLT1 protein (p.His197Arg). The histidine residue is highly conserved and there is a small physicochemical difference between histidine and arginine.

NM_144643.4(SCLT1):c.590A>G (p.His197Arg)

Gene: SCLT1 (sodium channel and clathrin linker 1; minus strand). Cytogenetic location: 4q28.2.
Variant type: single nucleotide variant.
Coding change: c.590A>G on transcript NM_144643.4 (MANE Select); coding-DNA position 590, A replaced by G.
Protein change: p.His197Arg; replaces histidine 197 with arginine.
Molecular consequence: missense variant.
Genome position (GRCh38, 1-based): chr4:128,997,899, T>C on the plus strand (A>G on the coding strand, the complement: SCLT1 is on the minus strand). VCF-style: chr4-128997899-T-C. GRCh37 (hg19) VCF-style: chr4-129919054-T-C.
Other names: short protein forms H197R.
Identifiers: ClinVar variation 1485859 (VCV001485859.6), dbSNP rs2126078998, ClinGen allele CA358189638.
Genomic context (GRCh38, chr4:128,997,899, plus strand): 5'-GACAATTTCTAGTTTATATAAATAAGTATACTTACCACTTCCATGTTCTCATTAGTAACA[T>C]GAAGTTGTTTGGTCAGTTGTTGAAAATCAAATAGCTGATCCTACAGTGGGAAGGTAAGGG-3'
Protein context (NP_653244.2, residues 187-207): FDFQQLTKQL[His197Arg]VTNENMEVTN